The following is an entry in ClinVar:

NM_007118.4(TRIO):c.6877GGC[4] (p.Gly2297_Gly2298del)

Gene: TRIO (trio Rho guanine nucleotide exchange factor; plus strand). Cytogenetic location: 5p15.2.
Variant type: Microsatellite.
Coding change: c.6877GGC[4] on transcript NM_007118.4 (MANE Select); four copies in a row of the 3-base unit GGC starting at c.6877; the reference has six copies in a row; two copies, 6 bases deleted.
Protein change: p.Gly2297_Gly2298del.
Molecular consequence: inframe deletion. On other transcripts: non-coding transcript variant (1).
Genome position (GRCh38, 1-based): chr5:14,487,517-14,487,522, GGCGGC deleted; deleting any 6 consecutive bases within chr5:14,487,505-14,487,522 gives the same sequence; the position shown is the placement nearest the transcript's 3' end. VCF-style (leftmost placement, unchanged base first): chr5-14487504-GGGCGGC-G. GRCh37 (hg19) VCF-style: chr5-14487613-GGGCGGC-G.
Other names: c.6889_6894del6 (NM_007118.3).
Identifiers: ClinVar variation 2578974 (VCV002578974.26), dbSNP rs749785358, ClinGen allele CA3207276.

ClinVar aggregate classification (germline): Likely benign. Review status: criteria provided, multiple submitters, no conflicts (2 of 4 stars). 2 submissions from 2 submitters: Likely benign (2). Last evaluated 2026-07-23.

Conditions:
TRIO-related disorder. Also called: TRIO-related disorders; TRIO-related condition.

Submissions (2):

PreventionGenetics, part of Exact Sciences
Classification: Likely benign for TRIO-related condition. Last evaluated: 2026-07-23. Review status: criteria provided, single submitter. Criteria: ACMG Guidelines, 2015. Collection method: clinical testing. Allele origin: germline.
Comment: This variant is classified as likely benign based on ACMG/AMP sequence variant interpretation guidelines (Richards et al. 2015 PMID: 25741868, with internal and published modifications).

CeGaT Center for Human Genetics Tuebingen
Classification: Likely benign. Last evaluated: 2024-09-01. Review status: criteria provided, single submitter. Criteria: CeGaT Center For Human Genetics Tuebingen Variant Classification Criteria Version 2. Collection method: clinical testing. Allele origin: germline. Affected: yes. Observed: 2 variant alleles.
Comment: TRIO: BP3